The following is an entry in ClinVar:

NM_004959.5(NR5A1):c.86C>T (p.Thr29Met)

Gene: NR5A1 (nuclear receptor subfamily 5 group A member 1; minus strand). Cytogenetic location: 9q33.3.
Variant type: single nucleotide variant.
Coding change: c.86C>T on transcript NM_004959.5 (MANE Select); coding-DNA position 86, C replaced by T.
Protein change: p.Thr29Met; replaces threonine 29 with methionine.
Molecular consequence: missense variant.
Genome position (GRCh38, 1-based): chr9:124,503,310, G>A on the plus strand (C>T on the coding strand, the complement: NR5A1 is on the minus strand). VCF-style: chr9-124503310-G-A. GRCh37 (hg19) VCF-style: chr9-127265589-G-A.
Other names: short protein forms T29M.
Identifiers: ClinVar variation 1442980 (VCV001442980.9), dbSNP rs2131289973, ClinGen allele CA374890671.

ClinVar aggregate classification (germline): Pathogenic/Likely pathogenic. Review status: criteria provided, multiple submitters, no conflicts (2 of 4 stars). 2 submissions from 2 submitters: Pathogenic (1); Likely pathogenic (1). Last evaluated 2024-07-31.

Conditions:
46 XY differences of sex development. Also called: 46, XY disorder of sex development (DSD); 46,XY disorder of sex development. Identifiers: Orphanet 98085, MedGen C2751824, MONDO:0020040.
Oligosynaptic infertility (SPGF1). Also called: SPERMATOGENIC FAILURE 1; OLIGOCHIASMATIC INFERTILITY. Identifiers: MedGen C0403810, MONDO:0009776, OMIM 258150.
46,XY sex reversal 3. Also called: NR5A1-related 46,XY complete gonadal dysgenesis; SEX REVERSAL, XY, WITH OR WITHOUT ADRENAL FAILURE; 46,XY GONADAL DYSGENESIS, PARTIAL OR COMPLETE, WITH OR WITHOUT ADRENAL FAILURE; DISORDER OF SEX DEVELOPMENT, 46,XY, NR5A1-RELATED; 46,XY SEX REVERSAL, PARTIAL OR COMPLETE, NR5A1-RELATED. Identifiers: MedGen C3489793, MONDO:0013066, OMIM 612965.

Submissions (2):

Labcorp Genetics (formerly Invitae), Labcorp
Classification: Pathogenic for 46 XY differences of sex development; Oligosynaptic infertility. Last evaluated: 2024-07-31. Review status: criteria provided, single submitter. Criteria: Invitae Variant Classification Sherloc (09022015). Collection method: clinical testing. Allele origin: germline.
Comment: This sequence change replaces threonine, which is neutral and polar, with methionine, which is neutral and non-polar, at codon 29 of the NR5A1 protein (p.Thr29Met). This variant is not present in population databases (gnomAD no frequency). This missense change has been observed in individual(s) with 46,XY disorder of sex development (PMID: 30425642). In at least one individual the variant was observed to be de novo. ClinVar contains an entry for this variant (Variation ID: 1442980). Advanced modeling of protein sequence and biophysical properties (such as structural, functional, and spatial information, amino acid conservation, physicochemical variation, residue mobility, and thermodynamic stability) performed at Invitae indicates that this missense variant is expected to disrupt NR5A1 protein function with a positive predictive value of 80%. This variant disrupts the p.Thr29 amino acid residue in NR5A1. Other variant(s) that disrupt this residue have been observed in individuals with NR5A1-related conditions (PMID: 29582157, 30425642, 31831369), which suggests that this may be a clinically significant amino acid residue. For these reasons, this variant has been classified as Pathogenic.

Kasturba Medical College, Manipal, Kasturba Medical College, Manipal, Manipal Academy of Higher Education, Manipal, India
Classification: Likely pathogenic for 46,XY sex reversal 3. Review status: criteria provided, single submitter. Criteria: ACMG Guidelines, 2015. Collection method: research. Allele origin: maternal. Inheritance: Autosomal dominant inheritance. Affected: yes.
Comment: A known missense variant, c.86C>T in exon 2 of NR5A1 was observed in heterozygous state in proband(Song et al., 2018). The variant is absent in heterozygous and/or homozygous state in gnomAD population database (v4.1.0) and in our in-house database of 3786 exomes. In silico analysis tools (CADD_phred, REVEL) predict the variant to be damaging to NR5A1 protein function. Disease-causing variants in NR5A1 gene are known to exhibit variable expressivity and incomplete penetrance.

Literature cited by the submitters: PubMed 30425642 (cited by Labcorp Genetics (formerly Invitae), Labcorp and Kasturba Medical College, Manipal, Kasturba Medical College, Manipal, Manipal Academy of Higher Education, Manipal, India); PubMed 29582157 (cited by Labcorp Genetics (formerly Invitae), Labcorp); PubMed 31831369 (cited by Labcorp Genetics (formerly Invitae), Labcorp).